The following is an entry in ClinVar:

ClinVar aggregate classification (germline): Likely pathogenic. Review status: reviewed by expert panel (3 of 4 stars). 2 submissions from 2 submitters: Likely pathogenic (1). 1 of the submissions does not count toward it. Last evaluated 2020-07-06.

Conditions:
Phenylketonuria (PKU). Also called: Phenylketonuria (PKU); FOLLING DISEASE; OLIGOPHRENIA PHENYLPYRUVICA; Phenylketonurias. Identifiers: Orphanet 716, MedGen C0031485, MONDO:0009861, OMIM 261600. Disease mechanism: loss of function.

Submissions (2):

ClinGen PAH Variant Curation Expert Panel
Classification: Likely pathogenic for Phenylketonuria. Last evaluated: 2020-07-06. Review status: reviewed by expert panel. Criteria: ClinGen PAH ACMG Specifications v1. Collection method: curation. Allele origin: germline. Inheritance: Autosomal recessive inheritance.
Comment: The c.649T>G (p.Cys217Gly) variant in PAH has been reported in 3 individuals with PAH deficiency (BH4 deficiency excluded). This variant is absent in population databases. This variant was detected with pathogenic variants: p.P281L (PMID: 8807319), IVS10-11G>A, and p.V245A (PMID: 27121329). Computational evidence is conflicting. In summary, this variant meets criteria to be classified as likely pathogenic for PAH. PAH-specific ACMG/AMP criteria applied: PP4_Moderate, PM2, PM3_strong.

DeBelle Laboratory for Biochemical Genetics, MUHC/MCH RESEARCH INSTITUTE
No classification provided. Review status: no classification provided. Collection method: not provided. Allele origin: not provided. Not counted in ClinVar's aggregate classification.

Literature cited by the submitters: PubMed 8807319 (cited by ClinGen PAH Variant Curation Expert Panel); PubMed 23514811 (cited by ClinGen PAH Variant Curation Expert Panel).

NM_000277.3(PAH):c.649T>G (p.Cys217Gly)

Gene: PAH (phenylalanine hydroxylase; minus strand). Cytogenetic location: 12q23.2.
Variant type: single nucleotide variant.
Coding change: c.649T>G on transcript NM_000277.3 (MANE Select); coding-DNA position 649, T replaced by G.
Protein change: p.Cys217Gly; replaces cysteine 217 with glycine.
Molecular consequence: missense variant.
Genome position (GRCh38, 1-based): chr12:102,855,193, A>C on the plus strand (T>G on the coding strand, the complement: PAH is on the minus strand). VCF-style: chr12-102855193-A-C. GRCh37 (hg19) VCF-style: chr12-103248971-A-C.
Other names: NM_000277.1(PAH):c.649T>G; c.649T>G, p.Cys217Gly (NM_001354304.2); short protein forms C217G.
Identifiers: ClinVar variation 102771 (VCV000102771.2), dbSNP rs62508718, ClinGen allele CA229673.